The following is an entry in ClinVar:

ClinVar aggregate classification (germline): Uncertain significance (1 of 4 stars; one submission).

Allele frequency attached by ClinVar (database versions not stated): gnomAD exomes 0.00001; ExAC 0.00001.
gnomAD v4.1: 17 of 1,614,008 alleles (0.0011%); highest among the groups gnomAD compares: Middle Eastern, 0.033%; no homozygotes.

Submission:

Labcorp Genetics (formerly Invitae), Labcorp
Classification: Uncertain significance. Last evaluated: 2023-05-01. Review status: criteria provided, single submitter. Criteria: Invitae Variant Classification Sherloc (09022015). Collection method: clinical testing. Allele origin: germline.
Comment: In summary, the available evidence is currently insufficient to determine the role of this variant in disease. Therefore, it has been classified as a Variant of Uncertain Significance. Advanced modeling of protein sequence and biophysical properties (such as structural, functional, and spatial information, amino acid conservation, physicochemical variation, residue mobility, and thermodynamic stability) performed at Invitae indicates that this missense variant is not expected to disrupt XYLT2 protein function. This variant has not been reported in the literature in individuals affected with XYLT2-related conditions. This variant is present in population databases (rs755122467, gnomAD 0.007%). This sequence change replaces alanine, which is neutral and non-polar, with valine, which is neutral and non-polar, at codon 543 of the XYLT2 protein (p.Ala543Val).

NM_022167.4(XYLT2):c.1628C>T (p.Ala543Val)

Gene: XYLT2 (xylosyltransferase 2; plus strand). Cytogenetic location: 17q21.33.
Variant type: single nucleotide variant.
Coding change: c.1628C>T on transcript NM_022167.4 (MANE Select); coding-DNA position 1628, C replaced by T.
Protein change: p.Ala543Val; replaces alanine 543 with valine.
Molecular consequence: missense variant.
Genome position (GRCh38, 1-based): chr17:50,356,656, C>T. VCF-style: chr17-50356656-C-T. GRCh37 (hg19) VCF-style: chr17-48434017-C-T.
Other names: short protein forms A543V.
Identifiers: ClinVar variation 2899238 (VCV002899238.3), dbSNP rs755122467, ClinGen allele CA8646512.
Genomic context (GRCh38, chr17:50,356,656, plus strand): 5'-ATGGCAGCTACCCCCCCGGCACGCCAGCCCTCAAGGCCTACTGGGAGAACACCTACGACG[C>T]GGCTGATGGCCCCAGTGGGCTCAGTGATGTCATGCTCACTGCTTACACAGCCTTCGCCCG-3'
Protein context (NP_071450.2, residues 533-553): LKAYWENTYD[Ala543Val]ADGPSGLSDV